The following is an entry in ClinVar:

ClinVar aggregate classification (germline): Pathogenic (0 of 4 stars; one submission).

Conditions:
Exostoses, multiple, type 2 (EXT2). Also called: Hereditary Multiple Osteochondromatosis, Type II; EXOSTOSES, MULTIPLE, TYPE II. Identifiers: Orphanet 321, MedGen C1851413, MONDO:0007586, OMIM 133701.

Submission:

Service de Biochimie Médicale et Biologie Moléculaire, CHU Clermont-Ferrand
Classification: Pathogenic for Exostoses, multiple, type 2. Last evaluated: 2021-09-14. Review status: no assertion criteria provided. Collection method: clinical testing. Allele origin: unknown. Inheritance: Autosomal dominant inheritance. Affected: yes. Observed: 1 heterozygote.
Comment: Frameshift variant absent in gnomAD and found in 2 families with multiple osteochondromas in our laboratory

NM_207122.2(EXT2):c.728del (p.Pro243fs)

Gene: EXT2 (exostosin glycosyltransferase 2; plus strand). Cytogenetic location: 11p11.2.
Variant type: Deletion.
Coding change: c.728del on transcript NM_207122.2 (MANE Select); coding-DNA position 728, one base deleted (C; older notation c.728delC).
Protein change: p.Pro243fs; shifts the reading frame from proline 243.
Molecular consequence: frameshift variant.
Genome position (GRCh38, 1-based): chr11:44,114,286, C deleted; the last of 2 consecutive C bases (chr11:44,114,285-44,114,286); deleting either gives the same sequence. VCF-style (leftmost placement, unchanged base first): chr11-44114284-TC-T. GRCh37 (hg19) VCF-style: chr11-44135834-TC-T.
Other names: c.827del, p.Pro276fs (NM_000401.3); c.728del, p.Pro243fs (NM_001178083.3, NM_001389628.1, NM_001389630.1); short protein forms P243fs, P276fs.
Identifiers: ClinVar variation 1251963 (VCV001251963.3), dbSNP rs2134985434, ClinGen allele CA2499220950.
Genomic context (GRCh38, chr11:44,114,284, plus strand): 5'-CCGGCAAGGCTACGATGTCAGCATTCCTGTCTATAGTCCACTGTCAGCTGAGGTGGATCT[TC>T]CAGAGAAAGGACCAGGGTAAGGTACATTCATCCCAGCCAGGTGTGCCTTTACTGAATCTG-3'